The following is an entry in ClinVar:

ClinVar aggregate classification (germline): Uncertain significance. Review status: criteria provided, multiple submitters, no conflicts (2 of 4 stars). 3 submissions from 3 submitters: Uncertain significance (2). 1 of the submissions does not count toward it. Last evaluated 2025-02-07.

Conditions:
Inborn genetic diseases. Identifiers: MedGen C0950123, MeSH D030342.
Usher syndrome type 1C. Also called: USHER SYNDROME, TYPE I, ACADIAN VARIETY. Identifiers: Orphanet 231169, Orphanet 886, MedGen C1848604, MONDO:0010171, OMIM 276904.

Allele frequency attached by ClinVar (database versions not stated): gnomAD 0.00001; gnomAD exomes 0.00001; TOPMed 0.00001.
gnomAD v4.1: 10 of 1,595,474 alleles (0.00063%); highest among the groups gnomAD compares: Non-Finnish European, 0.00077%; no homozygotes.

Submissions (3):

Ambry Genetics
Classification: Uncertain significance for Inborn genetic diseases. Last evaluated: 2025-02-07. Review status: criteria provided, single submitter. Criteria: Ambry Variant Classification Scheme 2023. Collection method: clinical testing. Allele origin: germline.

Labcorp Genetics (formerly Invitae), Labcorp
Classification: Uncertain significance. Last evaluated: 2022-01-01. Review status: criteria provided, single submitter. Criteria: Invitae Variant Classification Sherloc (09022015). Collection method: clinical testing. Allele origin: germline.
Comment: This sequence change replaces aspartic acid, which is acidic and polar, with asparagine, which is neutral and polar, at codon 419 of the USH1C protein (p.Asp419Asn). The frequency data for this variant in the population databases is considered unreliable, as metrics indicate poor data quality at this position in the gnomAD database. This variant has not been reported in the literature in individuals affected with USH1C-related conditions. ClinVar contains an entry for this variant (Variation ID: 992077). Algorithms developed to predict the effect of missense changes on protein structure and function (SIFT, PolyPhen-2, Align-GVGD) all suggest that this variant is likely to be tolerated. In summary, the available evidence is currently insufficient to determine the role of this variant in disease. Therefore, it has been classified as a Variant of Uncertain Significance.

Natera, Inc.
Classification: Uncertain significance for Usher syndrome type 1C. Last evaluated: 2020-04-11. Review status: no assertion criteria provided. Collection method: clinical testing. Allele origin: germline. Not counted in ClinVar's aggregate classification.

NM_005709.4(USH1C):c.1255G>A (p.Asp419Asn)

Gene: USH1C (USH1 protein network component harmonin; minus strand). Cytogenetic location: 11p15.1.
Variant type: single nucleotide variant.
Coding change: c.1255G>A on transcript NM_005709.4 (MANE Plus Clinical); coding-DNA position 1255, G replaced by A.
Protein change: p.Asp419Asn; replaces aspartic acid 419 with asparagine.
Molecular consequence: missense variant. On other transcripts: intron variant (1).
Genome position (GRCh38, 1-based): chr11:17,517,430, C>T on the plus strand (G>A on the coding strand, the complement: USH1C is on the minus strand). VCF-style: chr11-17517430-C-T. GRCh37 (hg19) VCF-style: chr11-17538977-C-T.
Other names: c.1198G>A, p.Asp400Asn (NM_001297764.2); c.1211-1140G>A (NM_153676.4); c.1255G>A (NM_005709.3); short protein forms D400N, D419N.
Identifiers: ClinVar variation 992077 (VCV000992077.4), dbSNP rs977658619, ClinGen allele CA218452246.